The following is an entry in ClinVar:

ClinVar aggregate classification (germline): Benign (1 of 4 stars; one submission).

Conditions:
Familial cancer of breast. Also called: Hereditary breast cancer; hereditary breast carcinoma; BREAST CANCER, FAMILIAL. Identifiers: Orphanet 227535, MedGen C0346153, MONDO:0016419, OMIM 114480. Disease mechanism: loss of function.

Submission:

Myriad Genetics, Inc.
Classification: Benign for Familial cancer of breast. Last evaluated: 2025-01-10. Review status: criteria provided, single submitter. Criteria: Myriad Autosomal Dominant, Autosomal Recessive and X-Linked Classification Criteria (2023). Collection method: clinical testing. Allele origin: unknown.
Comment: This variant is considered benign. This variant is a silent/synonymous amino acid change and it is not expected to impact splicing.

NM_024675.4(PALB2):c.342A>G (p.Gly114=)

Gene: PALB2 (partner and localizer of BRCA2; minus strand). Cytogenetic location: 16p12.2.
Variant type: single nucleotide variant.
Coding change: c.342A>G on transcript NM_024675.4 (MANE Select); coding-DNA position 342, A replaced by G.
Protein change: p.Gly114=; no amino-acid change (glycine 114 retained).
Molecular consequence: synonymous variant. On other transcripts: 5 prime UTR variant (8), intron variant (3).
Genome position (GRCh38, 1-based): chr16:23,636,204, T>C on the plus strand (A>G on the coding strand, the complement: PALB2 is on the minus strand). VCF-style: chr16-23636204-T-C. GRCh37 (hg19) VCF-style: chr16-23647525-T-C.
Other names: c.282A>G, p.Gly94= (NM_001407296.1); c.342A>G, p.Gly114= (NM_001407297.1, NM_001407298.1, NM_001407299.1 and 3 more transcripts); c.-544A>G (NM_001407304.1, NM_001407305.1, NM_001407306.1 and 5 more transcripts); c.48+4906A>G (NM_001407314.1); c.-105+4906A>G (NM_001407313.1, NM_001407312.1).
Identifiers: ClinVar variation 3903544 (VCV003903544.1).